The following is an entry in ClinVar:

ClinVar aggregate classification (germline): Conflicting classifications of pathogenicity. Review status: criteria provided, conflicting classifications (1 of 4 stars). 11 submissions from 10 submitters: Likely pathogenic (4); Uncertain significance (5). 2 of the submissions do not count toward it. Last evaluated 2026-08-01.

Conditions:
Albinism or congenital nystagmus.
Congenital nystagmus. Identifiers: MedGen C0700501, MONDO:0005712, HP:0006934.
Albinism. Identifiers: MedGen C0001916, MONDO:0043209, HP:0001022.
TYR-related disorder. Also called: TYR-related condition.
SKIN/HAIR/EYE PIGMENTATION 3, LIGHT/DARK SKIN (SHEP3). Also called: EYE COLOR 1; EYE COLOR, GREEN/BLUE; SKIN/HAIR/EYE PIGMENTATION 3, BLUE/GREEN EYE COLOR; SKIN/HAIR/EYE PIGMENTATION 3, FRECKLING; SKIN/HAIR/EYE PIGMENTATION, VARIATION IN, 3. Identifiers: MedGen C2677190, OMIM 601800.
Oculocutaneous albinism type 1A (OCA1A). Also called: Albinism, oculocutaneous, type IA. Identifiers: Orphanet 352731, Orphanet 79431, MedGen C4551504, MONDO:0008745, OMIM 203100. Disease mechanism: loss of function.

Allele frequency attached by ClinVar (database versions not stated): ExAC 0.00001; gnomAD exomes 0.00002 and 0.00003; TOPMed 0.00003; gnomAD 0.00005.
gnomAD v4.1: 20 of 1,612,982 alleles (0.0012%); highest among the groups gnomAD compares: Admixed American, 0.0033%; no homozygotes.

Submissions (11):

GeneDx
Classification: Likely pathogenic. Last evaluated: 2026-08-01. Review status: criteria provided, single submitter. Criteria: GeneDx Variant Classification Process June 2021. Collection method: clinical testing. Allele origin: germline.
Comment: In silico analysis suggests that this missense variant does not alter protein structure/function; This variant is associated with the following publications: (PMID: 30868138, 16170149, 34897530, 18463683, 27734839, 27959697, 23504663, 15146472, 10987646, 9259202)

NHS Central & South Genomic Laboratory Hub
Classification: Uncertain significance for Albinism or congenital nystagmus. Last evaluated: 2025-04-09. Review status: criteria provided, single submitter. Criteria: ACMG Guidelines, 2015. Collection method: clinical testing. Allele origin: germline. Affected: yes.

CeGaT Center for Human Genetics Tuebingen
Classification: Likely pathogenic. Last evaluated: 2025-04-01. Review status: criteria provided, single submitter. Criteria: CeGaT Center For Human Genetics Tuebingen Variant Classification Criteria Version 2. Collection method: clinical testing. Allele origin: germline. Affected: yes. Observed: 5 variant alleles.
Comment: TYR: PM1, PM2, PM3, PM5:Supporting, PP4

Labcorp Genetics (formerly Invitae), Labcorp
Classification: Uncertain significance. Last evaluated: 2025-01-29. Review status: criteria provided, single submitter. Criteria: Invitae Variant Classification Sherloc (09022015). Collection method: clinical testing. Allele origin: germline.
Comment: This sequence change replaces alanine, which is neutral and non-polar, with proline, which is neutral and non-polar, at codon 355 of the TYR protein (p.Ala355Pro). This variant is present in population databases (rs62645908, gnomAD 0.006%). This missense change has been observed in individual(s) with oculocutaneous albinism, however, it has frequently been observed on the same chromosome as c.1217C>T (p.Pro406Leu) (PMID: 9259202, 10987646, 15146472). ClinVar contains an entry for this variant (Variation ID: 99528). Invitae Evidence Modeling of protein sequence and biophysical properties (such as structural, functional, and spatial information, amino acid conservation, physicochemical variation, residue mobility, and thermodynamic stability) has been performed for this missense variant. However, the output from this modeling did not meet the statistical confidence thresholds required to predict the impact of this variant on TYR protein function. This variant disrupts the p.Ala355 amino acid residue in TYR. Other variant(s) that disrupt this residue have been determined to be pathogenic (PMID: 23504663, 27734839, 27959697). This suggests that this residue is clinically significant, and that variants that disrupt this residue are likely to be disease-causing. In summary, the available evidence is currently insufficient to determine the role of this variant in disease. Therefore, it has been classified as a Variant of Uncertain Significance.

NHS Central & South Genomic Laboratory Hub
Classification: Uncertain significance for Albinism; Congenital nystagmus. Last evaluated: 2024-11-11. Review status: criteria provided, single submitter. Criteria: ACMG Guidelines, 2015. Collection method: clinical testing. Allele origin: germline. Affected: yes.
Comment: Evidence for PM3 has only been included in our classification where the A335P variant was not identified in conjunction with P406L, owing to the genotype of our index case, co-occurrence evidence from GnomAD, and reports in the literature that A335P and P406L have been identified in cis (PMIDs: 10987646 and 34897530).

Blueprint Genetics
Classification: Uncertain significance. Last evaluated: 2023-11-08. Review status: criteria provided, single submitter. Criteria: ACMG Guidelines, 2015. Collection method: clinical testing. Allele origin: germline.

Baylor Genetics
Classification: Likely pathogenic for SKIN/HAIR/EYE PIGMENTATION 3, LIGHT/DARK SKIN. Last evaluated: 2023-08-27. Review status: criteria provided, single submitter. Criteria: ACMG Guidelines, 2015. Collection method: clinical testing. Allele origin: unknown.

Genome-Nilou Lab
Classification: Likely pathogenic for Oculocutaneous albinism type 1A. Last evaluated: 2021-07-22. Review status: criteria provided, single submitter. Criteria: ACMG Guidelines, 2015. Collection method: clinical testing. Allele origin: germline. Affected: no.

MGZ Medical Genetics Center
Classification: Uncertain significance for Oculocutaneous albinism type 1A. Last evaluated: 2021-07-09. Review status: criteria provided, single submitter. Criteria: ACMG Guidelines, 2015. Collection method: clinical testing. Allele origin: germline. Affected: yes. Observed: 2 variant alleles.
Comment: ACMG criteria applied: PP2, PP3

PreventionGenetics, part of Exact Sciences
Classification: Likely pathogenic for TYR-related condition. Last evaluated: 2024-07-30. Review status: no assertion criteria provided. Collection method: clinical testing. Allele origin: germline. Not counted in ClinVar's aggregate classification.
Comment: The TYR c.1063G>C variant is predicted to result in the amino acid substitution p.Ala355Pro. This variant has been reported in the compound heterozygous state in individuals with oculocutaneous albinism (Spritz et al. 1997. PubMed ID: 9259202; Hovnik et al. 2021. PubMed ID: 34897530). Alternate substitutions of this same amino acid residue (p.Ala355Val and p.Ala355Glu) have also been reported in individuals with oculocutaneous albinism (reviewed in Table S1 in Simeonov et al. 2013. PubMed ID: 23504663). This c.1063G>C (p.Ala355Pro) variant is reported in 0.0062% of alleles in individuals of European (Non-Finnish) descent in gnomAD. Given the evidence, we interpret this variant as likely pathogenic.

Retina International
No classification provided. Review status: no classification provided. Collection method: not provided. Allele origin: unknown. Not counted in ClinVar's aggregate classification.

Literature cited by the submitters: PubMed 9259202 (cited by Labcorp Genetics (formerly Invitae), Labcorp); PubMed 10987646 (cited by Labcorp Genetics (formerly Invitae), Labcorp); PubMed 15146472 (cited by Labcorp Genetics (formerly Invitae), Labcorp); PubMed 23504663 (cited by Labcorp Genetics (formerly Invitae), Labcorp); PubMed 27734839 (cited by Labcorp Genetics (formerly Invitae), Labcorp); PubMed 27959697 (cited by Labcorp Genetics (formerly Invitae), Labcorp).

NM_000372.5(TYR):c.1063G>C (p.Ala355Pro)

Gene: TYR (tyrosinase; plus strand). Cytogenetic location: 11q14.3.
Variant type: single nucleotide variant.
Coding change: c.1063G>C on transcript NM_000372.5 (MANE Select); coding-DNA position 1063, G replaced by C.
Protein change: p.Ala355Pro; replaces alanine 355 with proline.
Molecular consequence: missense variant.
Genome position (GRCh38, 1-based): chr11:89,227,849, G>C. VCF-style: chr11-89227849-G-C. GRCh37 (hg19) VCF-style: chr11-88961017-G-C.
Other names: short protein forms A355P.
Identifiers: ClinVar variation 99528 (VCV000099528.60), dbSNP rs62645908, ClinGen allele CA227490.